The following is an entry in ClinVar:

NM_003803.4(MYOM1):c.4578A>C (p.Lys1526Asn)

Gene: MYOM1 (myomesin 1; minus strand). Cytogenetic location: 18p11.31.
Variant type: single nucleotide variant.
Coding change: c.4578A>C on transcript NM_003803.4 (MANE Select); coding-DNA position 4578, A replaced by C.
Protein change: p.Lys1526Asn; replaces lysine 1526 with asparagine.
Molecular consequence: missense variant.
Genome position (GRCh38, 1-based): chr18:3,079,249, T>G on the plus strand (A>C on the coding strand, the complement: MYOM1 is on the minus strand). VCF-style: chr18-3079249-T-G. GRCh37 (hg19) VCF-style: chr18-3079247-T-G.
Other names: c.4290A>C, p.Lys1430Asn (NM_019856.2); short protein forms K1526N, K1430N.
Identifiers: ClinVar variation 4741880 (VCV004741880.1).
Genomic context (GRCh38, chr18:3,079,249, plus strand): 5'-GAGATCCACTGTCTTCTGATGTCCAGTTTTGCCATCAAAGAGCTCCATGACATACTTCCC[T>G]TTGTCATTCGGGGTGGGCTCGTTGATTTGTAGCCAGATCTGCTCTCCAGTGACCCCGGTC-3'
Protein context (NP_003794.3, residues 1516-1536): LQINEPTPND[Lys1526Asn]GKYVMELFDG

ClinVar aggregate classification (germline): Uncertain significance (1 of 4 stars; one submission).

Conditions:
Hypertrophic cardiomyopathy. Also called: HYPERTROPHIC MYOCARDIOPATHY. Identifiers: Orphanet 217569, MedGen C0007194, MeSH D002312, MONDO:0005045, HP:0001639.

Submission:

Labcorp Genetics (formerly Invitae), Labcorp
Classification: Uncertain significance for Hypertrophic cardiomyopathy. Last evaluated: 2025-10-01. Review status: criteria provided, single submitter. Criteria: Invitae Variant Classification Sherloc (09022015). Collection method: clinical testing. Allele origin: germline.
Comment: This sequence change replaces lysine, which is basic and polar, with asparagine, which is neutral and polar, at codon 1526 of the MYOM1 protein (p.Lys1526Asn). This variant is not present in population databases (gnomAD no frequency). This variant has not been reported in the literature in individuals affected with MYOM1-related conditions. Invitae Evidence Modeling of protein sequence and biophysical properties (such as structural, functional, and spatial information, amino acid conservation, physicochemical variation, residue mobility, and thermodynamic stability) indicates that this missense variant is not expected to disrupt MYOM1 protein function with a negative predictive value of 80%. In summary, the available evidence is currently insufficient to determine the role of this variant in disease. Therefore, it has been classified as a Variant of Uncertain Significance.